The following is an entry in ClinVar:

ClinVar aggregate classification (germline): Uncertain significance (1 of 4 stars; one submission).

Conditions:
Congenital insensitivity to pain-hypohidrosis syndrome. Also called: HSAN VIII; Neuropathy, hereditary sensory and autonomic, type VIII. Identifiers: Orphanet 478664, MedGen C4225308, MONDO:0014662, OMIM 616488.

Submission:

Labcorp Genetics (formerly Invitae), Labcorp
Classification: Uncertain significance for Congenital insensitivity to pain-hypohidrosis syndrome. Last evaluated: 2022-04-25. Review status: criteria provided, single submitter. Criteria: Invitae Variant Classification Sherloc (09022015). Collection method: clinical testing. Allele origin: germline.
Comment: In summary, the available evidence is currently insufficient to determine the role of this variant in disease. Therefore, it has been classified as a Variant of Uncertain Significance. This variant has not been reported in the literature in individuals affected with PRDM12-related conditions. The frequency data for this variant in the population databases is considered unreliable, as metrics indicate insufficient coverage at this position in the gnomAD database. This variant, c.1043_1044insTGC, results in the insertion of 1 amino acid(s) of the PRDM12 protein (p.Ala359dup), but otherwise preserves the integrity of the reading frame.

NM_021619.3(PRDM12):c.1043_1044insTGC (p.Ala359_His360insAla)

Gene: PRDM12 (PR/SET domain 12; plus strand). Cytogenetic location: 9q34.12.
Variant type: Insertion.
Coding change: c.1043_1044insTGC on transcript NM_021619.3 (MANE Select); coding-DNA positions 1043 to 1044, TGC inserted.
Protein change: p.Ala359_His360insAla.
Molecular consequence: inframe insertion.
Genome position: GRCh38 VCF-style: chr9-130681606-C-CGCT. GRCh37 (hg19) VCF-style: chr9-133556993-C-CGCT.
Identifiers: ClinVar variation 2130551 (VCV002130551.4), dbSNP rs2490750903, ClinGen allele CA2580079824.